The following is an entry in ClinVar:

NM_001318852.2(MAPK8IP3):c.439+1_439+3del

Gene: MAPK8IP3 (mitogen-activated protein kinase 8 interacting protein 3; plus strand). Cytogenetic location: 16p13.3.
Variant type: Deletion.
Coding change: c.439+1_439+3del on transcript NM_001318852.2 (MANE Select); the canonical splice donor site of the intron after coding-DNA position 439 through 3 bases into the intron after coding-DNA position 439, 3 bases deleted (GTA; older notation c.439+1_439+3delGTA).
Molecular consequence: splice donor variant.
Genome position (GRCh38, 1-based): chr16:1,724,678-1,724,680, GTA deleted; deleting any 3 consecutive bases within chr16:1,724,677-1,724,680 gives the same sequence; the c. name uses the placement nearest the transcript's 3' end. VCF-style (leftmost placement, unchanged base first): chr16-1724676-GAGT-G. GRCh37 (hg19) VCF-style: chr16-1774677-GAGT-G.
Other names: c.439+1_439+3del (NM_015133.5, NM_001040439.2).
Identifiers: ClinVar variation 5016703 (VCV005016703.1).

ClinVar aggregate classification (germline): Likely pathogenic (1 of 4 stars; one submission).

Submission:

GeneDx
Classification: Likely pathogenic. Last evaluated: 2026-03-24. Review status: criteria provided, single submitter. Criteria: GeneDx Variant Classification Process June 2021. Collection method: clinical testing. Allele origin: germline.
Comment: Canonical splice site variant predicted to result in a null allele in a gene for which loss of function is a known mechanism of disease; Not observed at significant frequency in large population cohorts (gnomAD); Has not been previously published as pathogenic or benign to our knowledge